The following is an entry in ClinVar:

NM_001256715.2(DNAAF3):c.1333G>C (p.Ala445Pro)

Genes: DNAAF3 (dynein axonemal assembly factor 3; minus strand), DNAAF3-AS1 (DNAAF3 antisense RNA 1; plus strand). Cytogenetic location: 19q13.42.
Variant type: single nucleotide variant.
Coding change: c.1333G>C on transcript NM_001256715.2 (MANE Select); coding-DNA position 1333, G replaced by C.
Protein change: p.Ala445Pro; replaces alanine 445 with proline.
Molecular consequence: missense variant.
Genome position (GRCh38, 1-based): chr19:55,159,355, C>G on the plus strand (G>C on the coding strand, the complement: DNAAF3 is on the minus strand). VCF-style: chr19-55159355-C-G. GRCh37 (hg19) VCF-style: chr19-55670723-C-G.
Other names: c.1534G>C, p.Ala512Pro (NM_001256714.1); c.1171G>C, p.Ala391Pro (NM_001256716.2); c.1474G>C, p.Ala492Pro (NM_178837.4); short protein forms A512P, A445P, A391P, A492P.
Identifiers: ClinVar variation 1406122 (VCV001406122.6), dbSNP rs768592462, ClinGen allele CA9667801.

ClinVar aggregate classification (germline): Uncertain significance. Review status: criteria provided, multiple submitters, no conflicts (2 of 4 stars). 2 submissions from 2 submitters: Uncertain significance (2). Last evaluated 2025-12-08.

Conditions:
Primary ciliary dyskinesia. Also called: Ciliary dyskinesia. Identifiers: Orphanet 244, MedGen C0008780, MONDO:0016575, HP:0012265.

Allele frequency attached by ClinVar (database versions not stated): gnomAD exomes 0.00001 and 0.00002; ExAC 0.00002; gnomAD 0.00003.
gnomAD v4.1: 27 of 1,614,048 alleles (0.0017%); highest among the groups gnomAD compares: African/African-American, 0.025%; no homozygotes.

Submissions (2):

Ambry Genetics
Classification: Uncertain significance for Primary ciliary dyskinesia. Last evaluated: 2025-12-08. Review status: criteria provided, single submitter. Criteria: Ambry Variant Classification Scheme 2023. Collection method: clinical testing. Allele origin: germline.

Labcorp Genetics (formerly Invitae), Labcorp
Classification: Uncertain significance for Primary ciliary dyskinesia. Last evaluated: 2022-07-26. Review status: criteria provided, single submitter. Criteria: Invitae Variant Classification Sherloc (09022015). Collection method: clinical testing. Allele origin: germline.
Comment: This variant is present in population databases (rs768592462, gnomAD 0.01%). This sequence change replaces alanine, which is neutral and non-polar, with proline, which is neutral and non-polar, at codon 512 of the DNAAF3 protein (p.Ala512Pro). This variant has not been reported in the literature in individuals affected with DNAAF3-related conditions. ClinVar contains an entry for this variant (Variation ID: 1406122). Algorithms developed to predict the effect of missense changes on protein structure and function (SIFT, PolyPhen-2, Align-GVGD) all suggest that this variant is likely to be tolerated. In summary, the available evidence is currently insufficient to determine the role of this variant in disease. Therefore, it has been classified as a Variant of Uncertain Significance.